The following is an entry in ClinVar:

NM_031889.3(ENAM):c.*1500G>A

Gene: ENAM (enamelin; plus strand). Cytogenetic location: 4q13.3.
Variant type: single nucleotide variant.
Coding change: c.*1500G>A on transcript NM_031889.3 (MANE Select); 1500 bases downstream of the stop codon, G replaced by A.
Molecular consequence: 3 prime UTR variant.
Genome position (GRCh38, 1-based): chr4:70,646,355, G>A. VCF-style: chr4-70646355-G-A. GRCh37 (hg19) VCF-style: chr4-71512072-G-A.
Other names: c.*1500G>A (NM_001368133.1).
Identifiers: ClinVar variation 904337 (VCV000904337.5), dbSNP rs72654391, ClinGen allele CA99037287.

ClinVar aggregate classification (germline): Likely benign. Review status: criteria provided, multiple submitters, no conflicts (2 of 4 stars). 2 submissions from 2 submitters: Likely benign (2). Last evaluated 2018-01-13.

Conditions:
Amelogenesis imperfecta (AI). Also called: Congenital enamel hypoplasia. Identifiers: Orphanet 88661, MedGen C0002452, MONDO:0019507, HP:0000705.

Allele frequency attached by ClinVar (database versions not stated): 1000 Genomes Project 0.01737; 1000 Genomes Project 30x 0.01843; gnomAD 0.02266 and 0.02345; TOPMed 0.02342.

Submissions (2):

Illumina Laboratory Services, Illumina
Classification: Likely benign for Amelogenesis imperfecta. Last evaluated: 2018-01-13. Review status: criteria provided, single submitter. Criteria: ICSL Variant Classification Criteria 13 December 2019. Collection method: clinical testing. Allele origin: germline.
Comment: This variant was observed in the ICSL laboratory as part of a predisposition screen in an ostensibly healthy population. It had not been previously curated by ICSL or reported in the Human Gene Mutation Database (HGMD: prior to June 1st, 2018), and was therefore a candidate for classification through an automated scoring system. Utilizing variant allele frequency, disease prevalence and penetrance estimates, and inheritance mode, an automated score was calculated to assess if this variant is too frequent to cause the disease. Based on the score and internal cut-off values, a variant classified as likely benign is not then subjected to further curation. The score for this variant resulted in a classification of likely benign for this disease.

Breakthrough Genomics
Classification: Likely benign. Review status: criteria provided, single submitter. Criteria: ACMG Guidelines, 2015. Collection method: not provided. Allele origin: germline. Inheritance: Autosomal recessive inheritance. Affected: yes.